The following is an entry in ClinVar:

NM_020166.5(MCCC1):c.874-6del

Gene: MCCC1 (methylcrotonyl-CoA carboxylase subunit 1; minus strand). Cytogenetic location: 3q27.1.
Variant type: Deletion.
Coding change: c.874-6del on transcript NM_020166.5 (MANE Select); 6 bases into the intron before coding-DNA position 874, one base deleted (T; older notation c.874-6delT).
Molecular consequence: intron variant.
Genome position (GRCh38, 1-based): chr3:183,052,246, A deleted on the plus strand (T on the coding strand, the reverse complement: MCCC1 is on the minus strand); the first of 7 consecutive A bases (chr3:183,052,246-183,052,252); deleting any one gives the same sequence. VCF-style (leftmost placement, unchanged base first): chr3-183052245-GA-G. GRCh37 (hg19) VCF-style: chr3-182770033-GA-G.
Other names: c.547-6del (NM_001363880.1); c.523-6del (NM_001293273.2).
Identifiers: ClinVar variation 1600282 (VCV001600282.32), dbSNP rs755494348, ClinGen allele CA2718934.

ClinVar aggregate classification (germline): Benign/Likely benign. Review status: criteria provided, multiple submitters, no conflicts (2 of 4 stars). 2 submissions from 2 submitters: Benign (1); Likely benign (1). Last evaluated 2025-03-17.

Conditions:
3-methylcrotonyl-CoA carboxylase 1 deficiency (MCC1D). Also called: MCC 1 deficiency; 3 Alpha methylcrotonylglycinuria 1; MCCD TYPE 1; METHYLCROTONYLGLYCINURIA TYPE I. Identifiers: Orphanet 6, MedGen CN028786, MONDO:0008861, OMIM 210200.

Submissions (2):

Labcorp Genetics (formerly Invitae), Labcorp
Classification: Benign for 3-methylcrotonyl-CoA carboxylase 1 deficiency. Last evaluated: 2025-03-17. Review status: criteria provided, single submitter. Criteria: Invitae Variant Classification Sherloc (09022015). Collection method: clinical testing. Allele origin: germline.

CeGaT Center for Human Genetics Tuebingen
Classification: Likely benign. Last evaluated: 2022-07-01. Review status: criteria provided, single submitter. Criteria: CeGaT Center For Human Genetics Tuebingen Variant Classification Criteria Version 2. Collection method: clinical testing. Allele origin: germline. Affected: yes. Observed: 1 variant allele.
Comment: MCCC1: BP4